The following is an entry in ClinVar:

NM_001374736.1(DST):c.681C>T (p.Leu227=)

Gene: DST (dystonin; minus strand). Cytogenetic location: 6p12.1.
Variant type: single nucleotide variant.
Coding change: c.681C>T on transcript NM_001374736.1 (MANE Select); coding-DNA position 681, C replaced by T.
Protein change: p.Leu227=; no amino-acid change (leucine 227 retained).
Molecular consequence: synonymous variant.
Genome position (GRCh38, 1-based): chr6:56,735,234, G>A on the plus strand (C>T on the coding strand, the complement: DST is on the minus strand). VCF-style: chr6-56735234-G-A. GRCh37 (hg19) VCF-style: chr6-56600032-G-A.
Other names: c.681C>T, p.Leu227= (NM_001144769.5, NM_001374722.1); c.267C>T, p.Leu89= (NM_001144770.2); c.147C>T, p.Leu49= (NM_001374729.1, NM_001374730.1, NM_001386100.1 and 1 more transcripts); c.708C>T, p.Leu236= (NM_001374734.1).
Identifiers: ClinVar variation 4978255 (VCV004978255.1).
Genomic context (GRCh38, chr6:56,735,234, plus strand): 5'-AATAAACTGAAATATTCCAAACAATTCCAGGAAGTGAACGAAATAAAAACTGACCTTCAT[G>A]AGATGCTGATTTATCCATTTTGTAAATGTTTTCTTCTGAACTTTGTCCCGTTCATCTGGA-3'
Protein context (NP_001361665.1, residues 217-237): KTFTKWINQH[Leu227=]MKVRKHVNDL

ClinVar aggregate classification (germline): Likely benign (1 of 4 stars; one submission).

Conditions:
DST-related disorder. Also called: DST-related disorders; DST-related condition.

gnomAD v4.1: 606 of 1,549,090 alleles (0.039%); highest among the groups gnomAD compares: African/African-American, 0.73%; 1 homozygote.

Submission:

PreventionGenetics, part of Exact Sciences
Classification: Likely benign for DST-related condition. Last evaluated: 2025-03-25. Review status: criteria provided, single submitter. Criteria: ACMG Guidelines, 2015. Collection method: clinical testing. Allele origin: germline.
Comment: This variant is classified as likely benign based on ACMG/AMP sequence variant interpretation guidelines (Richards et al. 2015 PMID: 25741868, with internal and published modifications).